The following is an entry in ClinVar:

NM_001330260.2(SCN8A):c.3968C>A (p.Ala1323Asp)

Gene: SCN8A (sodium voltage-gated channel alpha subunit 8; plus strand). Cytogenetic location: 12q13.13.
Variant type: single nucleotide variant.
Coding change: c.3968C>A on transcript NM_001330260.2 (MANE Select); coding-DNA position 3968, C replaced by A.
Protein change: p.Ala1323Asp; replaces alanine 1323 with aspartic acid.
Molecular consequence: missense variant.
Genome position (GRCh38, 1-based): chr12:51,786,567, C>A. VCF-style: chr12-51786567-C-A. GRCh37 (hg19) VCF-style: chr12-52180351-C-A.
Other names: c.3845C>A, p.Ala1282Asp (NM_001177984.3, NM_001369788.1); c.3968C>A, p.Ala1323Asp (NM_014191.4); short protein forms A1282D, A1323D.
Identifiers: ClinVar variation 4293410 (VCV004293410.1).

ClinVar aggregate classification (germline): Likely pathogenic (1 of 4 stars; one submission).

Conditions:
SCN8A-related disorder.

Submission:

3billion
Classification: Likely pathogenic for SCN8A-related disorder. Last evaluated: 2024-07-20. Review status: criteria provided, single submitter. Criteria: ACMG Guidelines, 2015. Collection method: clinical testing. Allele origin: germline. Affected: yes.
Comment: The variant is not observed in the gnomAD v4.0.0 dataset. Predicted Consequence/Location: Missense changes are a common disease-causing mechanism. In silico tool predictions suggest damaging effect of the variant on gene or gene product [REVEL: 0.95 (>=0.6, sensitivity 0.68 and specificity 0.92); 3Cnet: 0.99 (>=0.6, sensitivity 0.72 and precision 0.9)]. Different missense changes at the same codon (p.Ala1323Ser, p.Ala1323Thr) have been reported as pathogenic/likely pathogenic with strong evidence (ClinVar ID: VCV000195688, VCV001472032 /PMID: 26993267, 29100083). Therefore, this variant is classified as Likely pathogenic according to the recommendation of ACMG/AMP guideline.

Literature cited by the submitters: PubMed 26993267.